The following is an entry in ClinVar:

ClinVar aggregate classification (germline): Likely pathogenic (1 of 4 stars; one submission).

Submission:

Labcorp Genetics (formerly Invitae), Labcorp
Classification: Likely pathogenic. Last evaluated: 2023-08-24. Review status: criteria provided, single submitter. Criteria: Invitae Variant Classification Sherloc (09022015). Collection method: clinical testing. Allele origin: germline.
Comment: In summary, the currently available evidence indicates that the variant is pathogenic, but additional data are needed to prove that conclusively. Therefore, this variant has been classified as Likely Pathogenic. Algorithms developed to predict the effect of sequence changes on RNA splicing suggest that this variant may disrupt the consensus splice site. ClinVar contains an entry for this variant (Variation ID: 1519925). This variant has not been reported in the literature in individuals affected with LAMC3-related conditions. This variant is not present in population databases (gnomAD no frequency). This sequence change affects an acceptor splice site in intron 7 of the LAMC3 gene. It is expected to disrupt RNA splicing. Variants that disrupt the donor or acceptor splice site typically lead to a loss of protein function (PMID: 16199547), and loss-of-function variants in LAMC3 are known to be pathogenic (PMID: 21572413, 26802095).

Literature cited by the submitters: PubMed 16199547; PubMed 21572413; PubMed 26802095.

NM_006059.4(LAMC3):c.1383-1G>A

Gene: LAMC3 (laminin subunit gamma 3; plus strand). Cytogenetic location: 9q34.12.
Variant type: single nucleotide variant.
Coding change: c.1383-1G>A on transcript NM_006059.4 (MANE Select); the canonical splice acceptor site of the intron before coding-DNA position 1383, G replaced by A.
Molecular consequence: splice acceptor variant.
Genome position (GRCh38, 1-based): chr9:131,045,523, G>A. VCF-style: chr9-131045523-G-A. GRCh37 (hg19) VCF-style: chr9-133920910-G-A.
Identifiers: ClinVar variation 1519925 (VCV001519925.6), dbSNP rs768710385, ClinGen allele CA375261453.
Genomic context (GRCh38, chr9:131,045,523, plus strand): 5'-GCCCCGCCCCTTCCTGGCTGATTCACGTGGCCCTCGTGGGCATGTCCTGCCTCCATTTCA[G>A]ATGTCGCCCGGGGACCTTTAACCTGCAGCCCCACAATCCAGCTGGCTGCAGCAGCTGTTT-3'